The following is an entry in ClinVar:

ClinVar aggregate classification (germline): Likely benign (1 of 4 stars; one submission).

Allele frequency attached by ClinVar (database versions not stated): 1000 Genomes Project 30x 0.00265; 1000 Genomes Project 0.00300; gnomAD 0.00620; ExAC 0.00642; TOPMed 0.00720; gnomAD exomes 0.00809; ESP Exome Variant Server 0.00869.
gnomAD v4.1: 12,785 of 1,609,850 alleles (0.79%); highest among the groups gnomAD compares: Non-Finnish European, 0.93%; 68 homozygotes.

Submission:

CeGaT Center for Human Genetics Tuebingen
Classification: Likely benign. Last evaluated: 2022-07-01. Review status: criteria provided, single submitter. Criteria: CeGaT Center For Human Genetics Tuebingen Variant Classification Criteria Version 2. Collection method: clinical testing. Allele origin: germline. Affected: yes. Observed: 1 variant allele.
Comment: CTSZ: BP4, BP7

NM_001336.4(CTSZ):c.567G>A (p.Arg189=)

Gene: CTSZ (cathepsin Z; minus strand). Cytogenetic location: 20q13.32.
Variant type: single nucleotide variant.
Coding change: c.567G>A on transcript NM_001336.4 (MANE Select); coding-DNA position 567, G replaced by A.
Protein change: p.Arg189=; no amino-acid change (arginine 189 retained).
Molecular consequence: synonymous variant.
Genome position (GRCh38, 1-based): chr20:58,997,674, C>T on the plus strand (G>A on the coding strand, the complement: CTSZ is on the minus strand). VCF-style: chr20-58997674-C-T. GRCh37 (hg19) VCF-style: chr20-57572729-C-T.
Identifiers: ClinVar variation 2652451 (VCV002652451.24), dbSNP rs11540881, ClinGen allele CA9928137.